The following is an entry in ClinVar:

ClinVar aggregate classification (germline): Uncertain significance. Review status: criteria provided, multiple submitters, no conflicts (2 of 4 stars). 2 submissions from 2 submitters: Uncertain significance (2). Last evaluated 2025-03-10.

Conditions:
Primary familial hypertrophic cardiomyopathy (HCM). Identifiers: Orphanet 99739, MedGen C0949658, MeSH D024741, MONDO:0024573. Inheritance: Various modes of inheritance.

Allele frequency attached by ClinVar (database versions not stated): gnomAD exomes below 0.00001 and 0.00001; TOPMed 0.00001; ExAC 0.00002.
gnomAD v4.1: 4 of 1,614,046 alleles (0.00025%); highest among the groups gnomAD compares: Middle Eastern, 0.016%; no homozygotes.

Submissions (2):

Labcorp Genetics (formerly Invitae), Labcorp
Classification: Uncertain significance for Primary familial hypertrophic cardiomyopathy. Last evaluated: 2025-03-10. Review status: criteria provided, single submitter. Criteria: Invitae Variant Classification Sherloc (09022015). Collection method: clinical testing. Allele origin: germline.
Comment: This sequence change replaces arginine, which is basic and polar, with tryptophan, which is neutral and slightly polar, at codon 59 of the ILK protein (p.Arg59Trp). This variant is present in population databases (rs779428507, gnomAD 0.002%). This variant has not been reported in the literature in individuals affected with ILK-related conditions. ClinVar contains an entry for this variant (Variation ID: 201789). An algorithm developed to predict the effect of missense changes on protein structure and function (PolyPhen-2) suggests that this variant is likely to be disruptive. In summary, the available evidence is currently insufficient to determine the role of this variant in disease. Therefore, it has been classified as a Variant of Uncertain Significance.

GeneDx
Classification: Uncertain significance. Last evaluated: 2022-10-14. Review status: criteria provided, single submitter. Criteria: GeneDx Variant Classification Process June 2021. Collection method: clinical testing. Allele origin: germline. Affected: yes.
Comment: Variants in candidate genes are classified as variants of uncertain significance in accordance with ACMG guidelines (Richards et al., 2015); In silico analysis supports that this missense variant has a deleterious effect on protein structure/function; This variant is associated with the following publications: (PMID: 27900366)

NM_004517.4(ILK):c.175C>T (p.Arg59Trp)

Genes: ILK (integrin linked kinase; plus strand), TAF10 (TATA-box binding protein associated factor 10; minus strand). Cytogenetic location: 11p15.4.
Variant type: single nucleotide variant.
Coding change: c.175C>T on transcript NM_004517.4 (MANE Select); coding-DNA position 175, C replaced by T.
Protein change: p.Arg59Trp; replaces arginine 59 with tryptophan.
Molecular consequence: missense variant. On other transcripts: 3 prime UTR variant (1), intron variant (1).
Genome position (GRCh38, 1-based): chr11:6,608,131, C>T. VCF-style: chr11-6608131-C-T. GRCh37 (hg19) VCF-style: chr11-6629361-C-T.
Other names: p.R59W:CGG>TGG; c.175C>T, p.Arg59Trp (NM_001014794.3, NM_001014795.3, NM_001278441.2); c.*2791G>A (NM_006284.4); c.-147-263C>T (NM_001278442.2); short protein forms R59W.
Identifiers: ClinVar variation 201789 (VCV000201789.11), dbSNP rs779428507, ClinGen allele CA335196.
Genomic context (GRCh38, chr11:6,608,131, plus strand): 5'-CACTGGGCCTGCCGAGAGGGCCGCTCTGCTGTGGTTGAGATGTTGATCATGCGGGGGGCA[C>T]GGATCAATGTAATGAACCGTGGGGATGACACCCCCCTGCATCTGGCAGCCAGTCATGGAC-3'
Protein context (NP_004508.1, residues 49-69): VVEMLIMRGA[Arg59Trp]INVMNRGDDT